The following is an entry in ClinVar:

NM_144651.5(PXDNL):c.2341C>G (p.Arg781Gly)

Gene: PXDNL (peroxidasin like; minus strand). Cytogenetic location: 8q11.22.
Variant type: single nucleotide variant.
Coding change: c.2341C>G on transcript NM_144651.5 (MANE Select); coding-DNA position 2341, C replaced by G.
Protein change: p.Arg781Gly; replaces arginine 781 with glycine.
Molecular consequence: missense variant.
Genome position (GRCh38, 1-based): chr8:51,409,283, G>C on the plus strand (C>G on the coding strand, the complement: PXDNL is on the minus strand). VCF-style: chr8-51409283-G-C. GRCh37 (hg19) VCF-style: chr8-52321843-G-C.
Other names: short protein forms R781G.
Identifiers: ClinVar variation 3060242 (VCV003060242.2), dbSNP rs11992240, ClinGen allele CA4745054.

ClinVar aggregate classification (germline): Benign (0 of 4 stars; one submission).

Conditions:
PXDNL-related disorder. Also called: PXDNL-related condition.

Allele frequency attached by ClinVar (database versions not stated): ESP Exome Variant Server 0.07555; 1000 Genomes Project 30x 0.14022; 1000 Genomes Project 0.14058; ExAC 0.18633.
gnomAD v4.1: 132,577 of 1,424,962 alleles (9.3%); highest among the groups gnomAD compares: East Asian, 28%; 7,252 homozygotes.

Submission:

PreventionGenetics, part of Exact Sciences
Classification: Benign for PXDNL-related condition. Last evaluated: 2019-11-26. Review status: no assertion criteria provided. Collection method: clinical testing. Allele origin: germline.
Comment: This variant is classified as benign based on ACMG/AMP sequence variant interpretation guidelines (Richards et al. 2015 PMID: 25741868, with internal and published modifications).